The following is an entry in ClinVar:

ClinVar aggregate classification (germline): Uncertain significance. Review status: criteria provided, multiple submitters, no conflicts (2 of 4 stars). 2 submissions from 2 submitters: Uncertain significance (2). Last evaluated 2024-08-01.

Conditions:
Charcot-Marie-Tooth disease, type I (CMT1). Also called: Charcot-Marie-Tooth, Type 1; Charcot-Marie-Tooth disease type 1. Identifiers: Orphanet 65753, MedGen C0751036, MONDO:0019011.
Charcot-Marie-Tooth disease dominant intermediate D. Also called: CHARCOT-MARIE-TOOTH NEUROPATHY, DOMINANT INTERMEDIATE D; Charcot-Marie-Tooth disease dominant intermediate 3; CMT DI3. Identifiers: Orphanet 100046, MedGen C1843075, MONDO:0011909, OMIM 607791.

Submissions (2):

Labcorp Genetics (formerly Invitae), Labcorp
Classification: Uncertain significance for Charcot-Marie-Tooth disease, type I. Last evaluated: 2024-08-01. Review status: criteria provided, single submitter. Criteria: Invitae Variant Classification Sherloc (09022015). Collection method: clinical testing. Allele origin: germline.
Comment: This sequence change replaces glycine, which is neutral and non-polar, with valine, which is neutral and non-polar, at codon 40 of the MPZ protein (p.Gly40Val). This variant is not present in population databases (gnomAD no frequency). This missense change has been observed in individual(s) with clinical features of MPZ-related conditions (Invitae). Advanced modeling of protein sequence and biophysical properties (such as structural, functional, and spatial information, amino acid conservation, physicochemical variation, residue mobility, and thermodynamic stability) performed at Invitae indicates that this missense variant is not expected to disrupt MPZ protein function with a negative predictive value of 80%. In summary, the available evidence is currently insufficient to determine the role of this variant in disease. Therefore, it has been classified as a Variant of Uncertain Significance.

Foundation for Research in Genetics and Endocrinology, FRIGE's Institute of Human Genetics
Classification: Uncertain significance for Charcot-Marie-Tooth disease dominant intermediate D. Last evaluated: 2024-07-16. Review status: criteria provided, single submitter. Criteria: ACMG Guidelines, 2015. Collection method: clinical testing. Allele origin: germline. Inheritance: Autosomal dominant inheritance. Affected: yes. Observed: 1 heterozygote.
Comment: A heterozygous missense variation in exon 2 of the MPZ gene that results in the amino acid substitution of Valine for Glycine at codon 40 was detected. The observed variant c.119G>T (p.Gly40Val) has not been reported in the 1000 genomes, gnomAD (v3.1), gnomAD (v2.1) and topmed databases. The in-silico predictions of the variant are possibly damaging by PolyPhen-2 and damaging by LRT and MutationTaster2. The reference codon is conserved across species. In summary, the variant meets our criteria to be classified as a variant of uncertain significance.

NM_000530.8(MPZ):c.119G>T (p.Gly40Val)

Gene: MPZ (myelin protein zero; minus strand). Cytogenetic location: 1q23.3.
Variant type: single nucleotide variant.
Coding change: c.119G>T on transcript NM_000530.8 (MANE Select); coding-DNA position 119, G replaced by T.
Protein change: p.Gly40Val; replaces glycine 40 with valine.
Molecular consequence: missense variant.
Genome position (GRCh38, 1-based): chr1:161,307,373, C>A on the plus strand (G>T on the coding strand, the complement: MPZ is on the minus strand). VCF-style: chr1-161307373-C-A. GRCh37 (hg19) VCF-style: chr1-161277163-C-A.
Other names: p.Gly40Val; c.119G>T, p.Gly40Val (NM_001315491.2); short protein forms G40V.
Identifiers: ClinVar variation 3255529 (VCV003255529.4).
Genomic context (GRCh38, chr1:161,307,373, plus strand): 5'-TCTGAGACCCACTCACTGGACCAGAAGGAGCAGTGCAGGGTCACCCGGGAGCCCACAGCA[C>A]CATGGACCTCCCTGTCGGTGTAAACCACGATGGCCTGGGCCGGGGACAGCACTGCAAGCA-3'
Protein context (NP_000521.2, residues 30-50): IVVYTDREVH[Gly40Val]AVGSRVTLHC